The following is an entry in ClinVar:

ClinVar aggregate classification (germline): Uncertain significance (1 of 4 stars; one submission).

gnomAD v4.1: 2 of 1,613,998 alleles (0.00012%); highest among the groups gnomAD compares: African/African-American, 0.0013%; no homozygotes.

Submission:

Labcorp Genetics (formerly Invitae), Labcorp
Classification: Uncertain significance. Last evaluated: 2024-07-20. Review status: criteria provided, single submitter. Criteria: Invitae Variant Classification Sherloc (09022015). Collection method: clinical testing. Allele origin: germline.
Comment: This sequence change replaces glutamine, which is neutral and polar, with histidine, which is basic and polar, at codon 401 of the RIPK1 protein (p.Gln401His). This variant is not present in population databases (gnomAD no frequency). This variant has not been reported in the literature in individuals affected with RIPK1-related conditions. An algorithm developed to predict the effect of missense changes on protein structure and function (PolyPhen-2) suggests that this variant is likely to be tolerated. In summary, the available evidence is currently insufficient to determine the role of this variant in disease. Therefore, it has been classified as a Variant of Uncertain Significance.

NM_001354930.2(RIPK1):c.1203G>C (p.Gln401His)

Gene: RIPK1 (receptor interacting serine/threonine kinase 1; plus strand). Cytogenetic location: 6p25.2.
Variant type: single nucleotide variant.
Coding change: c.1203G>C on transcript NM_001354930.2 (MANE Select); coding-DNA position 1203, G replaced by C.
Protein change: p.Gln401His; replaces glutamine 401 with histidine.
Molecular consequence: missense variant.
Genome position (GRCh38, 1-based): chr6:3,105,678, G>C. VCF-style: chr6-3105678-G-C. GRCh37 (hg19) VCF-style: chr6-3105912-G-C.
Other names: c.714G>C, p.Gln238His (NM_001317061.3, NM_001354932.2, NM_001354933.2 and 1 more transcripts); c.1065G>C, p.Gln355His (NM_001354931.2); c.1203G>C, p.Gln401His (NM_003804.6); short protein forms Q355H, Q238H, Q401H.
Identifiers: ClinVar variation 3701265 (VCV003701265.2).